The following is an entry in ClinVar:

ClinVar aggregate classification (germline): Pathogenic (1 of 4 stars; one submission).

Submission:

Labcorp Genetics (formerly Invitae), Labcorp
Classification: Pathogenic. Last evaluated: 2025-06-23. Review status: criteria provided, single submitter. Criteria: Invitae Variant Classification Sherloc (09022015). Collection method: clinical testing. Allele origin: germline.
Comment: This sequence change creates a premature translational stop signal (p.His145Leufs*79) in the IHH gene. While this is not anticipated to result in nonsense mediated decay, it is expected to disrupt the last 267 amino acid(s) of the IHH protein. This variant is not present in population databases (gnomAD no frequency). This variant has not been reported in the literature in individuals affected with IHH-related conditions. ClinVar contains an entry for this variant (Variation ID: 2699120). This variant disrupts a region of the IHH protein in which other variant(s) (p.Val317Met) have been determined to be pathogenic (PMID: 29155992, 32311039; internal data). This suggests that this is a clinically significant region of the protein, and that variants that disrupt it are likely to be disease-causing. For these reasons, this variant has been classified as Pathogenic.

Literature cited by the submitters: PubMed 29155992; PubMed 32311039.

NM_002181.4(IHH):c.434del (p.His145fs)

Gene: IHH (Indian hedgehog signaling molecule; minus strand). Cytogenetic location: 2q35.
Variant type: Deletion.
Coding change: c.434del on transcript NM_002181.4 (MANE Select); coding-DNA position 434, one base deleted (A; older notation c.434delA).
Protein change: p.His145fs; shifts the reading frame from histidine 145.
Molecular consequence: frameshift variant.
Genome position (GRCh38, 1-based): chr2:219,057,576, T deleted on the plus strand (A on the coding strand, the reverse complement: IHH is on the minus strand). VCF-style (leftmost placement, unchanged base first): chr2-219057575-AT-A. GRCh37 (hg19) VCF-style: chr2-219922297-AT-A.
Other names: short protein forms H145fs.
Identifiers: ClinVar variation 2699120 (VCV002699120.3), dbSNP rs2469514328, ClinGen allele CA2697550462.